The following is an entry in ClinVar:

ClinVar aggregate classification (germline): Conflicting classifications of pathogenicity. Review status: criteria provided, conflicting classifications (1 of 4 stars). 3 submissions from 3 submitters: Uncertain significance (1); Likely benign (1). 1 of the submissions does not count toward it. Last evaluated 2025-01-30.

Conditions:
Inborn genetic diseases. Identifiers: MedGen C0950123, MeSH D030342.
RAI1-related disorder. Also called: RAI1-related condition.

Allele frequency attached by ClinVar (database versions not stated): TOPMed 0.00001; ExAC 0.00002; ESP Exome Variant Server 0.00015.

Submissions (3):

Labcorp Genetics (formerly Invitae), Labcorp
Classification: Uncertain significance. Last evaluated: 2025-01-30. Review status: criteria provided, single submitter. Criteria: Invitae Variant Classification Sherloc (09022015). Collection method: clinical testing. Allele origin: germline.
Comment: This sequence change replaces arginine, which is basic and polar, with histidine, which is basic and polar, at codon 26 of the RAI1 protein (p.Arg26His). This variant is present in population databases (rs139160898, gnomAD 0.004%). This variant has not been reported in the literature in individuals affected with RAI1-related conditions. ClinVar contains an entry for this variant (Variation ID: 3151206). Invitae Evidence Modeling of protein sequence and biophysical properties (such as structural, functional, and spatial information, amino acid conservation, physicochemical variation, residue mobility, and thermodynamic stability) indicates that this missense variant is expected to disrupt RAI1 protein function with a positive predictive value of 80%. In summary, the available evidence is currently insufficient to determine the role of this variant in disease. Therefore, it has been classified as a Variant of Uncertain Significance.

Ambry Genetics
Classification: Likely benign for Inborn genetic diseases. Last evaluated: 2024-01-30. Review status: criteria provided, single submitter. Criteria: Ambry Variant Classification Scheme 2023. Collection method: clinical testing. Allele origin: germline.

PreventionGenetics, part of Exact Sciences
Classification: Likely benign for RAI1-related condition. Last evaluated: 2024-09-03. Review status: no assertion criteria provided. Collection method: clinical testing. Allele origin: germline. Not counted in ClinVar's aggregate classification.
Comment: This variant is classified as likely benign based on ACMG/AMP sequence variant interpretation guidelines (Richards et al. 2015 PMID: 25741868, with internal and published modifications).

NM_030665.4(RAI1):c.77G>A (p.Arg26His)

Gene: RAI1 (retinoic acid induced 1; plus strand). Cytogenetic location: 17p11.2.
Variant type: single nucleotide variant.
Coding change: c.77G>A on transcript NM_030665.4 (MANE Select); coding-DNA position 77, G replaced by A.
Protein change: p.Arg26His; replaces arginine 26 with histidine.
Molecular consequence: missense variant.
Genome position (GRCh38, 1-based): chr17:17,793,025, G>A. VCF-style: chr17-17793025-G-A. GRCh37 (hg19) VCF-style: chr17-17696339-G-A.
Other names: short protein forms R26H.
Identifiers: ClinVar variation 3151206 (VCV003151206.4), dbSNP rs139160898, ClinGen allele CA8418035.